The following is an entry in ClinVar:

NM_014946.4(SPAST):c.1261A>G (p.Lys421Glu)

Gene: SPAST (spastin; plus strand). Cytogenetic location: 2p22.3.
Variant type: single nucleotide variant.
Coding change: c.1261A>G on transcript NM_014946.4 (MANE Select); coding-DNA position 1261, A replaced by G.
Protein change: p.Lys421Glu; replaces lysine 421 with glutamic acid.
Molecular consequence: missense variant.
Genome position (GRCh38, 1-based): chr2:32,136,578, A>G. VCF-style: chr2-32136578-A-G. GRCh37 (hg19) VCF-style: chr2-32361647-A-G.
Other names: c.1258A>G, p.Lys420Glu (NM_001363823.2); c.1162A>G, p.Lys388Glu (NM_001363875.2); c.1165A>G, p.Lys389Glu (NM_001377959.1, NM_199436.2); short protein forms K421E, K420E, K389E, K388E.
Identifiers: ClinVar variation 571473 (VCV000571473.9), dbSNP rs1558336556, ClinGen allele CA346501871.

ClinVar aggregate classification (germline): Likely pathogenic (1 of 4 stars; one submission).

Conditions:
Hereditary spastic paraplegia 4. Also called: Familial spastic paraplegia autosomal dominant 2; Spastic paraplegia 4, autosomal dominant; Spastic Paraplegia 4. Identifiers: Orphanet 100985, MedGen C1866855, MONDO:0008438, OMIM 182601.

Submission:

Labcorp Genetics (formerly Invitae), Labcorp
Classification: Likely pathogenic for Hereditary spastic paraplegia 4. Last evaluated: 2025-02-24. Review status: criteria provided, single submitter. Criteria: Invitae Variant Classification Sherloc (09022015). Collection method: clinical testing. Allele origin: germline.
Comment: This sequence change replaces lysine, which is basic and polar, with glutamic acid, which is acidic and polar, at codon 421 of the SPAST protein (p.Lys421Glu). This variant is not present in population databases (gnomAD no frequency). This missense change has been observed in individuals with hereditary spastic paraplegia (PMID: 35499206; internal data). It has also been observed to segregate with disease in related individuals. ClinVar contains an entry for this variant (Variation ID: 571473). Invitae Evidence Modeling of protein sequence and biophysical properties (such as structural, functional, and spatial information, amino acid conservation, physicochemical variation, residue mobility, and thermodynamic stability) indicates that this missense variant is expected to disrupt SPAST protein function with a positive predictive value of 80%. In summary, the currently available evidence indicates that the variant is pathogenic, but additional data are needed to prove that conclusively. Therefore, this variant has been classified as Likely Pathogenic.

Literature cited by the submitters: PubMed 35499206.